The following is an entry in ClinVar:

ClinVar aggregate classification (germline): Uncertain significance. Review status: criteria provided, multiple submitters, no conflicts (2 of 4 stars). 4 submissions from 4 submitters: Uncertain significance (4). Last evaluated 2025-12-16.

Conditions:
MIRAGE syndrome. Also called: MYELODYSPLASIA, INFECTION, RESTRICTION OF GROWTH, ADRENAL HYPOPLASIA, GENITAL PHENOTYPES, AND ENTEROPATHY. Identifiers: Orphanet 494433, MedGen C4284088, MONDO:0014888, OMIM 617053.
Inborn genetic diseases. Identifiers: MedGen C0950123, MeSH D030342.

Allele frequency attached by ClinVar (database versions not stated): TOPMed 0.00001; gnomAD 0.00003; gnomAD exomes 0.00003.

Submissions (4):

Labcorp Genetics (formerly Invitae), Labcorp
Classification: Uncertain significance. Last evaluated: 2025-12-16. Review status: criteria provided, single submitter. Criteria: Invitae Variant Classification Sherloc (09022015). Collection method: clinical testing. Allele origin: germline.
Comment: This sequence change replaces proline, which is neutral and non-polar, with leucine, which is neutral and non-polar, at codon 1183 of the SAMD9 protein (p.Pro1183Leu). This variant is present in population databases (no rsID available, gnomAD 0.006%). This variant has not been reported in the literature in individuals affected with SAMD9-related conditions. ClinVar contains an entry for this variant (Variation ID: 1902140). Invitae Evidence Modeling of protein sequence and biophysical properties (such as structural, functional, and spatial information, amino acid conservation, physicochemical variation, residue mobility, and thermodynamic stability) indicates that this missense variant is not expected to disrupt SAMD9 protein function with a negative predictive value of 95%. In summary, the available evidence is currently insufficient to determine the role of this variant in disease. Therefore, it has been classified as a Variant of Uncertain Significance.

Ambry Genetics
Classification: Uncertain significance for Inborn genetic diseases. Last evaluated: 2024-11-18. Review status: criteria provided, single submitter. Criteria: Ambry Variant Classification Scheme 2023. Collection method: clinical testing. Allele origin: germline.
Comment: The p.P1183L variant (also known as c.3548C>T), located in coding exon 1 of the SAMD9 gene, results from a C to T substitution at nucleotide position 3548. The proline at codon 1183 is replaced by leucine, an amino acid with similar properties. This amino acid position is conserved. In addition, this alteration is predicted to be tolerated by in silico analysis. Based on the available evidence, the clinical significance of this variant remains unclear.

St. Jude Molecular Pathology, St. Jude Children's Research Hospital
Classification: Uncertain significance for MIRAGE syndrome. Last evaluated: 2023-06-01. Review status: criteria provided, single submitter. Criteria: St. Jude Assertion Criteria 2020. Collection method: clinical testing. Allele origin: germline.
Comment: The SAMD9 c.3548C>T (p.Pro1183Leu) missense change has a maximum subpopulation frequency of 0.0058% in gnomAD v2.1.1. The in silico tool REVEL predicts a benign effect on protein function, however in silico predictions have not been found to correlate with syndromic risk and are thus not considered supporting evidence of a pathogenic or benign effect (PMID: 34621053). To our knowledge, this variant has not been reported in individuals with SAMD9-associated conditions. In summary, the evidence currently available is insufficient to determine the clinical significance of this variant. It has therefore been classified as of uncertain significance.

GeneDx
Classification: Uncertain significance. Last evaluated: 2023-02-22. Review status: criteria provided, single submitter. Criteria: GeneDx Variant Classification Process June 2021. Collection method: clinical testing. Allele origin: germline. Affected: yes.
Comment: Not observed at significant frequency in large population cohorts (gnomAD); In silico analysis supports that this missense variant does not alter protein structure/function; Has not been previously published as pathogenic or benign to our knowledge

NM_017654.4(SAMD9):c.3548C>T (p.Pro1183Leu)

Gene: SAMD9 (sterile alpha motif domain containing 9; minus strand). Cytogenetic location: 7q21.2.
Variant type: single nucleotide variant.
Coding change: c.3548C>T on transcript NM_017654.4 (MANE Select); coding-DNA position 3548, C replaced by T.
Protein change: p.Pro1183Leu; replaces proline 1183 with leucine.
Molecular consequence: missense variant.
Genome position (GRCh38, 1-based): chr7:93,102,550, G>A on the plus strand (C>T on the coding strand, the complement: SAMD9 is on the minus strand). VCF-style: chr7-93102550-G-A. GRCh37 (hg19) VCF-style: chr7-92731863-G-A.
Other names: c.3548C>T (NM_017654.3); c.3548C>T, p.Pro1183Leu (NM_001193307.2); short protein forms P1183L.
Identifiers: ClinVar variation 1902140 (VCV001902140.6), dbSNP rs1480540811, ClinGen allele CA368184393.